The following is an entry in ClinVar:

ClinVar aggregate classification (germline): Pathogenic. Review status: reviewed by expert panel (3 of 4 stars). 2 submissions from 2 submitters: Pathogenic (1). 1 of the submissions does not count toward it. Last evaluated 2017-12-15.

Conditions:
Hereditary breast ovarian cancer syndrome. Also called: Hereditary breast and ovarian cancer syndrome (HBOC); BRCA1- and BRCA2-Associated Hereditary Breast and Ovarian Cancer; Hereditary breast and/or ovarian cancer syndrome; Hereditary breast and ovarian cancer syndrome; Hereditary breast and ovarian cancer; Breast and ovarian cancer. Identifiers: Orphanet 145, MedGen C0677776, MeSH D061325, MONDO:0003582. Disease mechanism: loss of function.
Breast-ovarian cancer, familial, susceptibility to, 1 (BROVCA1). Also called: BRCA1 Hereditary Breast and Ovarian Cancer; OVARIAN CANCER, SUSCEPTIBILITY TO. Identifiers: Orphanet 145, MedGen C2676676, MONDO:0011450, OMIM 604370. Disease mechanism: loss of function.

Submissions (2):

Evidence-based Network for the Interpretation of Germline Mutant Alleles (ENIGMA)
Classification: Pathogenic for Breast-ovarian cancer, familial, susceptibility to, 1. Last evaluated: 2017-12-15. Review status: reviewed by expert panel. Criteria: ENIGMA BRCA1/2 Classification Criteria (2017-06-29). Collection method: curation. Allele origin: germline. Study: ENIGMA.
Comment: Variant allele predicted to encode a truncated non-functional protein.

Research Molecular Genetics Laboratory, Women's College Hospital, University of Toronto
Classification: Pathogenic for Hereditary breast ovarian cancer syndrome. Last evaluated: 2014-01-31. Review status: no assertion criteria provided. Collection method: research. Allele origin: germline. Affected: yes. Study: The Canadian Open Genetics Repository (COGR). Not counted in ClinVar's aggregate classification.

NM_007294.4(BRCA1):c.3481_3493del (p.Glu1161fs)

Genes: BRCA1 (BRCA1 DNA repair associated; minus strand), LOC126862571 (BRD4-independent group 4 enhancer GRCh37_chr17:41243136-41244335; plus strand). Cytogenetic location: 17q21.31.
Variant type: Deletion.
Coding change: c.3481_3493del on transcript NM_007294.4 (MANE Select); coding-DNA positions 3481 to 3493, 13 bases deleted (GAAGATACTAGTT).
Protein change: p.Glu1161fs; shifts the reading frame from glutamic acid 1161.
Molecular consequence: frameshift variant. On other transcripts: intron variant (135).
Genome position (GRCh38, 1-based): chr17:43,092,038-43,092,050, AACTAGTATCTTC deleted on the plus strand (GAAGATACTAGTT on the coding strand, the reverse complement: BRCA1 is on the minus strand). VCF-style (leftmost placement, unchanged base first): chr17-43092037-AAACTAGTATCTTC-A. GRCh37 (hg19) VCF-style: chr17-41244054-AAACTAGTATCTTC-A.
Other names: c.3340_3352del, p.Glu1114fs (NM_001407730.1, NM_001407731.1, NM_001407732.1 and 29 more transcripts); c.3337_3349del, p.Glu1113fs (NM_001407746.1, NM_001407747.1, NM_001407748.1 and 20 more transcripts); c.3268_3280del, p.Glu1090fs (NM_001407853.1, NM_001407894.1, NM_001407895.1 and 9 more transcripts); c.3481_3493del, p.Glu1161fs (NM_001407854.1, NM_001407858.1, NM_001407859.1 and 30 more transcripts); c.3271_3283del, p.Glu1091fs (NM_001407884.1, NM_001407885.1, NM_001407886.1 and 13 more transcripts); c.3358_3370del, p.Glu1120fs (NM_001407919.1, NM_001407937.1, NM_001407669.1 and 19 more transcripts); c.3217_3229del, p.Glu1073fs (NM_001407920.1, NM_001407933.1, NM_001407935.1 and 9 more transcripts); c.3214_3226del, p.Glu1072fs (NM_001407930.1, NM_001407931.1, NM_001407932.1 and 2 more transcripts); and 41 more; short protein forms E1114fs, E1161fs, E1033fs, E1050fs, E1073fs, E1093fs, E1119fs, E293fs.
Identifiers: ClinVar variation 431245 (VCV000431245.2), dbSNP rs1555587588, ClinGen allele CA645373177.